The following is an entry in ClinVar:

ClinVar aggregate classification (germline): Pathogenic/Likely pathogenic. Review status: criteria provided, multiple submitters, no conflicts (2 of 4 stars). 2 submissions from 2 submitters: Pathogenic (1); Likely pathogenic (1). Last evaluated 2024-02-01.

Conditions:
Fanconi anemia (FA). Also called: Fanconi's anemia. Identifiers: Orphanet 84, MedGen C0015625, MeSH D005199, MONDO:0019391.
Fanconi anemia complementation group I (FANCI). Also called: FANCI-Related Fanconi Anemia. Identifiers: Orphanet 84, MedGen C1836861, MONDO:0012186, OMIM 609053.

Submissions (2):

Fulgent Genetics
Classification: Likely pathogenic for Fanconi anemia complementation group I. Last evaluated: 2024-02-01. Review status: criteria provided, single submitter. Criteria: ACMG Guidelines, 2015. Collection method: clinical testing. Allele origin: germline.

Labcorp Genetics (formerly Invitae), Labcorp
Classification: Pathogenic for Fanconi anemia. Last evaluated: 2022-12-18. Review status: criteria provided, single submitter. Criteria: Invitae Variant Classification Sherloc (09022015). Collection method: clinical testing. Allele origin: germline.
Comment: This sequence change creates a premature translational stop signal (p.Gln438Argfs*42) in the FANCI gene. It is expected to result in an absent or disrupted protein product. Loss-of-function variants in FANCI are known to be pathogenic (PMID: 17452773, 17460694). This variant is not present in population databases (gnomAD no frequency). This variant has not been reported in the literature in individuals affected with FANCI-related conditions. For these reasons, this variant has been classified as Pathogenic.

Literature cited by the submitters: PubMed 17452773 (cited by Labcorp Genetics (formerly Invitae), Labcorp); PubMed 17460694 (cited by Labcorp Genetics (formerly Invitae), Labcorp).

NM_001113378.2(FANCI):c.1312_1313del (p.Gln438fs)

Gene: FANCI (FA complementation group I; plus strand). Cytogenetic location: 15q26.1.
Variant type: Deletion.
Coding change: c.1312_1313del on transcript NM_001113378.2 (MANE Select); coding-DNA positions 1312 to 1313, 2 bases deleted (CA; older notation c.1312_1313delCA).
Protein change: p.Gln438fs; shifts the reading frame from glutamine 438.
Molecular consequence: frameshift variant.
Genome position (GRCh38, 1-based): chr15:89,278,705-89,278,706, CA deleted; deleting any 2 consecutive bases within chr15:89,278,704-89,278,706 gives the same sequence; the c. name uses the placement nearest the transcript's 3' end. VCF-style (leftmost placement, unchanged base first): chr15-89278703-GAC-G. GRCh37 (hg19) VCF-style: chr15-89821934-GAC-G.
Other names: c.1033_1034del, p.Gln345fs (NM_001376910.1); c.1312_1313del, p.Gln438fs (NM_001376911.1, NM_018193.3); short protein forms Q345fs, Q438fs.
Identifiers: ClinVar variation 2955064 (VCV002955064.4), dbSNP rs2506593745, ClinGen allele CA2740096764.